The following is an entry in ClinVar:

ClinVar aggregate classification (germline): Likely benign (1 of 4 stars; one submission).

Allele frequency attached by ClinVar (database versions not stated): 1000 Genomes Project 0.00339; 1000 Genomes Project 30x 0.00359; TOPMed 0.00432; gnomAD 0.00503; gnomAD exomes 0.00786; ExAC 0.01093.
gnomAD v4.1: 12,084 of 1,594,738 alleles (0.76%); highest among the groups gnomAD compares: Non-Finnish European, 0.89%; 77 homozygotes.

Submission:

CeGaT Center for Human Genetics Tuebingen
Classification: Likely benign. Last evaluated: 2026-07-01. Review status: criteria provided, single submitter. Criteria: CeGaT Center For Human Genetics Tuebingen Variant Classification Criteria Version 2. Collection method: clinical testing. Allele origin: germline. Affected: yes. Observed: 5 variant alleles.
Comment: ANKRD36C: BP4, BS2

NM_001393982.1(ANKRD36C):c.6136G>A (p.Asp2046Asn)

Gene: ANKRD36C (ankyrin repeat domain 36C; minus strand). Cytogenetic location: 2q11.1.
Variant type: single nucleotide variant.
Coding change: c.6136G>A on transcript NM_001393982.1 (MANE Select); coding-DNA position 6136, G replaced by A.
Protein change: p.Asp2046Asn; replaces aspartic acid 2046 with asparagine.
Molecular consequence: missense variant.
Genome position (GRCh38, 1-based): chr2:95,853,744, C>T on the plus strand (G>A on the coding strand, the complement: ANKRD36C is on the minus strand). VCF-style: chr2-95853744-C-T. GRCh37 (hg19) VCF-style: chr2-96519492-C-T.
Other names: c.6211G>A, p.Asp2071Asn (NM_001310154.3); short protein forms D2046N, D2071N.
Identifiers: ClinVar variation 2651123 (VCV002651123.24), dbSNP rs200478637, ClinGen allele CA1773229.